The following is an entry in ClinVar:

NM_000701.8(ATP1A1):c.387+5G>T

Gene: ATP1A1 (ATPase Na+/K+ transporting subunit alpha 1; plus strand). Cytogenetic location: 1p13.1.
Variant type: single nucleotide variant.
Coding change: c.387+5G>T on transcript NM_000701.8 (MANE Select); 5 bases into the intron after coding-DNA position 387, G replaced by T.
Molecular consequence: intron variant.
Genome position (GRCh38, 1-based): chr1:116,387,496, G>T. VCF-style: chr1-116387496-G-T. GRCh37 (hg19) VCF-style: chr1-116930118-G-T.
Other names: c.387+5G>T (NM_001160233.2); c.294+5G>T (NM_001160234.2).
Identifiers: ClinVar variation 1308403 (VCV001308403.2), dbSNP rs2101042849, ClinGen allele CA645529153.

ClinVar aggregate classification (germline): Uncertain significance (1 of 4 stars; one submission).

Submission:

GeneDx
Classification: Uncertain significance. Last evaluated: 2019-04-01. Review status: criteria provided, single submitter. Criteria: GeneDx Variant Classification Process June 2021. Collection method: clinical testing. Allele origin: germline. Affected: yes.
Comment: Not observed in large population cohorts (Lek et al., 2016); In silico analysis, which includes splice predictors and evolutionary conservation, supports a deleterious effect; Has not been previously published as pathogenic or benign to our knowledge; Variants in candidate genes are classified as variants of uncertain significance in accordance with ACMG guidelines (Richards et al., 2015)